The following is an entry in ClinVar:

ClinVar aggregate classification (germline): Uncertain significance. Review status: criteria provided, multiple submitters, no conflicts (2 of 4 stars). 2 submissions from 2 submitters: Uncertain significance (2). Last evaluated 2025-11-26.

Conditions:
Multiple sulfatase deficiency (MSD). Also called: Mucosulfatidosis; Multiple Sulfatase Deficiency Disease; Sulfatidosis, Juvenile, Austin Type. Identifiers: Orphanet 585, MedGen C0268263, MONDO:0010088, OMIM 272200.
Inborn genetic diseases. Identifiers: MedGen C0950123, MeSH D030342.

gnomAD v4.1: 4 of 1,614,188 alleles (0.00025%); highest among the groups gnomAD compares: Middle Eastern, 0.016%; no homozygotes.

Submissions (2):

Ambry Genetics
Classification: Uncertain significance for Inborn genetic diseases. Last evaluated: 2025-11-26. Review status: criteria provided, single submitter. Criteria: Ambry Variant Classification Scheme 2023. Collection method: clinical testing. Allele origin: germline.

Labcorp Genetics (formerly Invitae), Labcorp
Classification: Uncertain significance for Multiple sulfatase deficiency. Last evaluated: 2025-05-22. Review status: criteria provided, single submitter. Criteria: Invitae Variant Classification Sherloc (09022015). Collection method: clinical testing. Allele origin: germline.
Comment: This sequence change replaces alanine, which is neutral and non-polar, with threonine, which is neutral and polar, at codon 116 of the SUMF1 protein (p.Ala116Thr). This variant is not present in population databases (gnomAD no frequency). This variant has not been reported in the literature in individuals affected with SUMF1-related conditions. ClinVar contains an entry for this variant (Variation ID: 1397361). Invitae Evidence Modeling of protein sequence and biophysical properties (such as structural, functional, and spatial information, amino acid conservation, physicochemical variation, residue mobility, and thermodynamic stability) has been performed for this missense variant. However, the output from this modeling did not meet the statistical confidence thresholds required to predict the impact of this variant on SUMF1 protein function. In summary, the available evidence is currently insufficient to determine the role of this variant in disease. Therefore, it has been classified as a Variant of Uncertain Significance.

NM_182760.4(SUMF1):c.346G>A (p.Ala116Thr)

Gene: SUMF1 (sulfatase modifying factor 1; minus strand). Cytogenetic location: 3p26.1.
Variant type: single nucleotide variant.
Coding change: c.346G>A on transcript NM_182760.4 (MANE Select); coding-DNA position 346, G replaced by A.
Protein change: p.Ala116Thr; replaces alanine 116 with threonine.
Molecular consequence: missense variant.
Genome position (GRCh38, 1-based): chr3:4,452,974, C>T on the plus strand (G>A on the coding strand, the complement: SUMF1 is on the minus strand). VCF-style: chr3-4452974-C-T. GRCh37 (hg19) VCF-style: chr3-4494658-C-T.
Other names: c.346G>A (NM_182760.3); c.346G>A, p.Ala116Thr (NM_001164674.2, NM_001164675.2); short protein forms A116T.
Identifiers: ClinVar variation 1397361 (VCV001397361.7), dbSNP rs1033881339, ClinGen allele CA69309729.